The following is an entry in ClinVar:

NM_000540.3(RYR1):c.3891C>T (p.His1297=)

Gene: RYR1 (ryanodine receptor 1; plus strand). Cytogenetic location: 19q13.2.
Variant type: single nucleotide variant.
Coding change: c.3891C>T on transcript NM_000540.3 (MANE Select); coding-DNA position 3891, C replaced by T.
Protein change: p.His1297=; no amino-acid change (histidine 1297 retained).
Molecular consequence: synonymous variant.
Genome position (GRCh38, 1-based): chr19:38,473,502, C>T. VCF-style: chr19-38473502-C-T. GRCh37 (hg19) VCF-style: chr19-38964142-C-T.
Other names: c.3891C>T, p.His1297= (NM_001042723.2); c.3891C>T (NM_000540.2).
Identifiers: ClinVar variation 1528858 (VCV001528858.32), dbSNP rs371462309, ClinGen allele CA065317.

ClinVar aggregate classification (germline): Likely benign. Review status: criteria provided, multiple submitters, no conflicts (2 of 4 stars). 4 submissions from 4 submitters: Likely benign (3). 1 of the submissions does not count toward it. Last evaluated 2025-10-02.

Conditions:
RYR1-related disorder. Also called: RYR1-related condition; RYR1-related disorders. Identifiers: MedGen CN239331.
Malignant hyperthermia, susceptibility to, 1 (MHS1). Also called: Anesthesia related hyperthermia; Malignant hyperpyrexia; Fulminating hyperpyrexia; Pharmacogenic myopathy; RYR1-Related Malignant Hyperthermia Susceptibility; Malignant hyperthermia suceptibility 1. Identifiers: Orphanet 423, MedGen C2930980, MONDO:0007783, OMIM 145600.

Allele frequency attached by ClinVar (database versions not stated): gnomAD exomes 0.00001 and 0.00003; gnomAD 0.00002; TOPMed 0.00002; ExAC 0.00005; ESP Exome Variant Server 0.00008.

Submissions (4):

Labcorp Genetics (formerly Invitae), Labcorp
Classification: Likely benign for RYR1-related disorder. Last evaluated: 2025-10-02. Review status: criteria provided, single submitter. Criteria: Invitae Variant Classification Sherloc (09022015). Collection method: clinical testing. Allele origin: germline.

CeGaT Center for Human Genetics Tuebingen
Classification: Likely benign. Last evaluated: 2024-02-01. Review status: criteria provided, single submitter. Criteria: CeGaT Center For Human Genetics Tuebingen Variant Classification Criteria Version 2. Collection method: clinical testing. Allele origin: germline. Affected: yes. Observed: 1 variant allele.
Comment: RYR1: BP4

Color Diagnostics, LLC DBA Color Health
Classification: Likely benign for Malignant hyperthermia, susceptibility to, 1. Last evaluated: 2022-11-06. Review status: criteria provided, single submitter. Criteria: ACMG Guidelines, 2015. Collection method: clinical testing. Allele origin: germline.

PreventionGenetics, part of Exact Sciences
Classification: Likely benign for RYR1-related condition. Last evaluated: 2022-07-12. Review status: no assertion criteria provided. Collection method: clinical testing. Allele origin: germline. Not counted in ClinVar's aggregate classification.
Comment: This variant is classified as likely benign based on ACMG/AMP sequence variant interpretation guidelines (Richards et al. 2015 PMID: 25741868, with internal and published modifications).